The following is an entry in ClinVar:

ClinVar aggregate classification (germline): Likely benign. Review status: criteria provided, multiple submitters, no conflicts (2 of 4 stars). 4 submissions from 4 submitters: Likely benign (4). Last evaluated 2026-09-01.

Conditions:
LITAF-related disorder. Also called: LITAF-related condition.
Charcot-Marie-Tooth disease type 1C. Also called: CHARCOT-MARIE-TOOTH NEUROPATHY, TYPE 1C; CMT, SLOW NERVE CONDUCTION TYPE C; CHARCOT-MARIE-TOOTH DISEASE, DEMYELINATING, TYPE 1C; HMSN IC; NEUROPATHY, HEREDITARY MOTOR AND SENSORY, TYPE IC; Charcot-Marie-Tooth disease, type IC. Identifiers: Orphanet 101083, MedGen C0270913, MONDO:0010995, OMIM 601098.

Allele frequency attached by ClinVar (database versions not stated): TOPMed 0.00001.
gnomAD v4.1: 18 of 1,609,272 alleles (0.0011%); highest among the groups gnomAD compares: Middle Eastern, 0.017%; no homozygotes.

Submissions (4):

CeGaT Center for Human Genetics Tuebingen
Classification: Likely benign. Last evaluated: 2026-09-01. Review status: criteria provided, single submitter. Criteria: CeGaT Center For Human Genetics Tuebingen Variant Classification Criteria Version 2. Collection method: clinical testing. Allele origin: germline. Affected: yes. Observed: 2 variant alleles.
Comment: LITAF: BP4

PreventionGenetics, part of Exact Sciences
Classification: Likely benign for LITAF-related condition. Last evaluated: 2025-05-12. Review status: criteria provided, single submitter. Criteria: ACMG Guidelines, 2015. Collection method: clinical testing. Allele origin: germline.
Comment: This variant is classified as likely benign based on ACMG/AMP sequence variant interpretation guidelines (Richards et al. 2015 PMID: 25741868, with internal and published modifications).

Blueprint Genetics
Classification: Likely benign. Last evaluated: 2024-02-28. Review status: criteria provided, single submitter. Criteria: ACMG Guidelines, 2015. Collection method: clinical testing. Allele origin: germline.

Labcorp Genetics (formerly Invitae), Labcorp
Classification: Likely benign for Charcot-Marie-Tooth disease type 1C. Last evaluated: 2023-10-22. Review status: criteria provided, single submitter. Criteria: Invitae Variant Classification Sherloc (09022015). Collection method: clinical testing. Allele origin: germline.

NM_001136472.2(LITAF):c.378-7C>T

Gene: LITAF (lipopolysaccharide induced TNF factor; minus strand). Cytogenetic location: 16p13.13.
Variant type: single nucleotide variant.
Coding change: c.378-7C>T on transcript NM_001136472.2 (MANE Select); 7 bases into the intron before coding-DNA position 378, C replaced by T.
Molecular consequence: intron variant.
Genome position (GRCh38, 1-based): chr16:11,549,752, G>A on the plus strand (C>T on the coding strand, the complement: LITAF is on the minus strand). VCF-style: chr16-11549752-G-A. GRCh37 (hg19) VCF-style: chr16-11643608-G-A.
Other names: c.*17-7C>T (NM_001136473.1); c.378-7C>T (NM_004862.4, NM_004862.3).
Identifiers: ClinVar variation 872382 (VCV000872382.47), dbSNP rs969563231, ClinGen allele CA278302215.